The following is an entry in ClinVar:

ClinVar aggregate classification (germline): Likely pathogenic (0 of 4 stars; one submission).

Conditions:
Ornithine aminotransferase deficiency (GACR). Also called: OAT DEFICIENCY; OKT DEFICIENCY; Ornithine ketoacid aminotransferase deficiency; Gyrate atrophy; Gyrate atrophy of choroid and retina; Girate atrophy of the retina. Identifiers: Orphanet 414, MedGen C0018425, MONDO:0009796, OMIM 258870.

Submission:

Juha Muilu Group; Institute for Molecular Medicine Finland (FIMM)
Classification: Likely pathogenic for Ornithine aminotransferase deficiency. Review status: no assertion criteria provided. Collection method: not provided. Allele origin: unknown.
Comment: FinDis database variant: This variant was not found or characterized by our laboratory, data were collected from public sources: see reference
ClinVar note: Converted during submission from probable-pathogenic to Likely pathogenic.

NM_000274.4(OAT):c.425G>A (p.Gly142Glu)

Gene: OAT (ornithine aminotransferase; minus strand). Cytogenetic location: 10q26.13.
Variant type: single nucleotide variant.
Coding change: c.425G>A on transcript NM_000274.4 (MANE Select); coding-DNA position 425, G replaced by A.
Protein change: p.Gly142Glu; replaces glycine 142 with glutamic acid.
Molecular consequence: missense variant. On other transcripts: 5 prime UTR variant (1), intron variant (1).
Genome position (GRCh38, 1-based): chr10:124,408,637, C>T on the plus strand (G>A on the coding strand, the complement: OAT is on the minus strand). VCF-style: chr10-124408637-C-T. GRCh37 (hg19) VCF-style: chr10-126097206-C-T.
Other names: c.11G>A, p.Gly4Glu (NM_001171814.2); c.425G>A, p.Gly142Glu (NM_001322965.2, NM_001322966.2, NM_001322967.2 and 3 more transcripts); c.-290G>A (NM_001322974.2); c.200-3074G>A (NM_001322971.2); short protein forms G142E, G4E.
Identifiers: ClinVar variation 56128 (VCV000056128.2), dbSNP rs386833610, ClinGen allele CA144158.